The following is an entry in ClinVar:

ClinVar aggregate classification (germline): Conflicting classifications of pathogenicity. Review status: criteria provided, conflicting classifications (1 of 4 stars). 2 submissions from 2 submitters: Pathogenic (1); Uncertain significance (1). Last evaluated 2024-01-02.

Conditions:
Hereditary cancer-predisposing syndrome. Also called: Neoplastic Syndromes, Hereditary; Hereditary Cancer Syndrome; Tumor predisposition; Hereditary neoplastic syndrome. Identifiers: Orphanet 140162, MedGen C0027672, MeSH D009386, MONDO:0015356.
Familial adenomatous polyposis 1 (FAP1). Also called: FAMILIAL ADENOMATOUS POLYPOSIS 1, ATTENUATED; POLYPOSIS, ADENOMATOUS INTESTINAL. Identifiers: MedGen C2713442, MONDO:0021056, OMIM 175100. Disease mechanism: loss of function.

Submissions (2):

Ambry Genetics
Classification: Pathogenic for Hereditary cancer-predisposing syndrome. Last evaluated: 2024-01-02. Review status: criteria provided, single submitter. Criteria: Ambry Variant Classification Scheme 2023. Collection method: clinical testing. Allele origin: germline.
Comment: The p.E129V pathogenic mutation (also known as c.386A>T), located in coding exon 3 of the APC gene, results from an A to T substitution at nucleotide position 386. The glutamic acid at codon 129 is replaced by valine, an amino acid with dissimilar properties. This alteration has been observed in at least one individual with a personal and/or family history that is consistent with APC-related disease (Ambry internal data). This variant is considered to be rare based on population cohorts in the Genome Aggregation Database (gnomAD). This amino acid position is highly conserved in available vertebrate species. In silico splice site analysis predicts that this alteration will weaken the native splice donor site and will result in the creation or strengthening of a novel splice donor site. RNA studies have demonstrated that this alteration results in abnormal splicing in the set of samples tested (Ambry internal data). Based on the supporting evidence, this alteration is interpreted as a disease-causing mutation.

Labcorp Genetics (formerly Invitae), Labcorp
Classification: Uncertain significance for Familial adenomatous polyposis 1. Last evaluated: 2022-09-01. Review status: criteria provided, single submitter. Criteria: Invitae Variant Classification Sherloc (09022015). Collection method: clinical testing. Allele origin: germline.
Comment: Algorithms developed to predict the effect of missense changes on protein structure and function (SIFT, PolyPhen-2, Align-GVGD) all suggest that this variant is likely to be disruptive. This sequence change replaces glutamic acid, which is acidic and polar, with valine, which is neutral and non-polar, at codon 129 of the APC protein (p.Glu129Val). This variant is not present in population databases (gnomAD no frequency). This variant has not been reported in the literature in individuals affected with APC-related conditions. ClinVar contains an entry for this variant (Variation ID: 1472830). Algorithms developed to predict the effect of sequence changes on RNA splicing suggest that this variant may disrupt the consensus splice site. In summary, the available evidence is currently insufficient to determine the role of this variant in disease. Therefore, it has been classified as a Variant of Uncertain Significance.

NM_000038.6(APC):c.386A>T (p.Glu129Val)

Gene: APC (APC regulator of Wnt signaling pathway; plus strand). Cytogenetic location: 5q22.2.
Variant type: single nucleotide variant.
Coding change: c.386A>T on transcript NM_000038.6 (MANE Select); coding-DNA position 386, A replaced by T.
Protein change: p.Glu129Val; replaces glutamic acid 129 with valine.
Molecular consequence: missense variant. On other transcripts: 5 prime UTR variant (1).
Genome position (GRCh38, 1-based): chr5:112,767,354, A>T. VCF-style: chr5-112767354-A-T. GRCh37 (hg19) VCF-style: chr5-112103051-A-T.
Other names: c.386A>T, p.Glu129Val (NM_001127510.3, NM_001354895.2, NM_001354896.2 and 2 more transcripts); c.416A>T, p.Glu139Val (NM_001127511.3, NM_001354897.2, NM_001354902.2); c.311A>T, p.Glu104Val (NM_001354898.2, NM_001354904.2); c.209A>T, p.Glu70Val (NM_001354900.2, NM_001354901.2, NM_001354905.2); c.-650A>T (NM_001354906.2); short protein forms E139V, E70V, E104V, E129V.
Identifiers: ClinVar variation 1472830 (VCV001472830.10), dbSNP rs759662717, ClinGen allele CA16022162.
Genomic context (GRCh38, chr5:112,767,354, plus strand): 5'-AGTGCAGTCCTGTTCCTATGGGTTCATTTCCAAGAAGAGGGTTTGTAAATGGAAGCAGAG[A>T]AAGTACTGGATATTTAGAAGAACTTGAGAAAGAGAGGTAACTTTTCTTCATATAGTAAAC-3'
Protein context (NP_000029.2, residues 119-139): PRRGFVNGSR[Glu129Val]STGYLEELEK